The following is an entry in ClinVar:

ClinVar aggregate classification (germline): Uncertain significance (1 of 4 stars; one submission).

Conditions:
Polycystic kidney disease 5. Identifiers: MedGen C4539903, MONDO:0033281, OMIM 617610.

Allele frequency attached by ClinVar (database versions not stated): TOPMed below 0.00001; ExAC 0.00002; gnomAD exomes 0.00002.
gnomAD v4.1: 25 of 1,614,016 alleles (0.0015%); highest among the groups gnomAD compares: South Asian, 0.022%; no homozygotes.

Submission:

Neuberg Centre For Genomic Medicine, NCGM
Classification: Uncertain significance for Polycystic kidney disease 5. Review status: criteria provided, single submitter. Criteria: ACMG Guidelines, 2015. Collection method: clinical testing. Allele origin: germline. Inheritance: Autosomal recessive inheritance. Affected: yes.
Comment: The splice region variant c.1000-4T>C in DZIP1L (NM_173543.3) has not been reported previously as a pathogenic variant nor as a benign variant, to our knowledge. The c.1000-4T>C variant is observed in 7/30,598 (0.0229%) alleles from individuals of South Asian background in gnomAD Exomes and is novel (not in any individuals) in 1000 Genomes. The c.1000-4T>C variant is not predicted to disrupt splicing by any splice site algorithm. The nucleotide c.1000-4T>C in DZIP1L is not conserved according to a GERP++ and PhyloP analysis of 100 vertebrates. For these reasons, this variant has been classified as Uncertain Significance

NM_173543.3(DZIP1L):c.1000-4T>C

Gene: DZIP1L (DAZ interacting zinc finger protein 1 like; minus strand). Cytogenetic location: 3q22.3.
Variant type: single nucleotide variant.
Coding change: c.1000-4T>C on transcript NM_173543.3 (MANE Select); 4 bases into the intron before coding-DNA position 1000, T replaced by C.
Molecular consequence: intron variant.
Genome position (GRCh38, 1-based): chr3:138,087,027, A>G on the plus strand (T>C on the coding strand, the complement: DZIP1L is on the minus strand). VCF-style: chr3-138087027-A-G. GRCh37 (hg19) VCF-style: chr3-137805869-A-G.
Other names: c.1000-4T>C (NM_001170538.1).
Identifiers: ClinVar variation 2584786 (VCV002584786.1), dbSNP rs766666392, ClinGen allele CA2635072.